The following is an entry in ClinVar:

ClinVar aggregate classification (germline): Conflicting classifications of pathogenicity. Review status: criteria provided, conflicting classifications (1 of 4 stars). 2 submissions from 2 submitters: Uncertain significance (1); Likely benign (1). Last evaluated 2025-08-01.

Conditions:
Inborn genetic diseases. Identifiers: MedGen C0950123, MeSH D030342.

Allele frequency attached by ClinVar (database versions not stated): gnomAD 0.00001; gnomAD exomes 0.00001; ExAC 0.00002; TOPMed 0.00002; 1000 Genomes Project 0.00020; 1000 Genomes Project 30x 0.00031.
gnomAD v4.1: 7 of 1,608,450 alleles (0.00044%); highest among the groups gnomAD compares: Admixed American, 0.0017%; no homozygotes.

Submissions (2):

Ambry Genetics
Classification: Likely benign for Inborn genetic diseases. Last evaluated: 2025-08-01. Review status: criteria provided, single submitter. Criteria: Ambry Variant Classification Scheme 2023. Collection method: clinical testing. Allele origin: germline.

Labcorp Genetics (formerly Invitae), Labcorp
Classification: Uncertain significance. Last evaluated: 2024-05-19. Review status: criteria provided, single submitter. Criteria: Invitae Variant Classification Sherloc (09022015). Collection method: clinical testing. Allele origin: germline.
Comment: This sequence change replaces glutamic acid, which is acidic and polar, with lysine, which is basic and polar, at codon 539 of the PROM1 protein (p.Glu539Lys). This variant is present in population databases (rs540003024, gnomAD 0.006%). This variant has not been reported in the literature in individuals affected with PROM1-related conditions. ClinVar contains an entry for this variant (Variation ID: 1462870). Advanced modeling of protein sequence and biophysical properties (such as structural, functional, and spatial information, amino acid conservation, physicochemical variation, residue mobility, and thermodynamic stability) performed at Invitae indicates that this missense variant is not expected to disrupt PROM1 protein function with a negative predictive value of 80%. In summary, the available evidence is currently insufficient to determine the role of this variant in disease. Therefore, it has been classified as a Variant of Uncertain Significance.

NM_006017.3(PROM1):c.1615G>A (p.Glu539Lys)

Gene: PROM1 (prominin 1; minus strand). Cytogenetic location: 4p15.32.
Variant type: single nucleotide variant.
Coding change: c.1615G>A on transcript NM_006017.3 (MANE Select); coding-DNA position 1615, G replaced by A.
Protein change: p.Glu539Lys; replaces glutamic acid 539 with lysine.
Molecular consequence: missense variant.
Genome position (GRCh38, 1-based): chr4:15,998,452, C>T on the plus strand (G>A on the coding strand, the complement: PROM1 is on the minus strand). VCF-style: chr4-15998452-C-T. GRCh37 (hg19) VCF-style: chr4-16000075-C-T.
Other names: c.1588G>A, p.Glu530Lys (NM_001145847.2, NM_001145848.2, NM_001145851.2 and 4 more transcripts); c.1615G>A, p.Glu539Lys (NM_001145849.2, NM_001145850.2); c.1615G>A (NM_006017.2); short protein forms E530K, E539K.
Identifiers: ClinVar variation 1462870 (VCV001462870.7), dbSNP rs540003024, ClinGen allele CA2866704.